The following is an entry in ClinVar:

NM_001042492.3(NF1):c.3167C>T (p.Ala1056Val)

Gene: NF1 (neurofibromin 1; plus strand). Cytogenetic location: 17q11.2.
Variant type: single nucleotide variant.
Coding change: c.3167C>T on transcript NM_001042492.3 (MANE Select); coding-DNA position 3167, C replaced by T.
Protein change: p.Ala1056Val; replaces alanine 1056 with valine.
Molecular consequence: missense variant.
Genome position (GRCh38, 1-based): chr17:31,230,895, C>T. VCF-style: chr17-31230895-C-T. GRCh37 (hg19) VCF-style: chr17-29557913-C-T.
Other names: c.3167C>T, p.Ala1056Val (NM_000267.4); short protein forms A1056V.
Identifiers: ClinVar variation 1358632 (VCV001358632.10), dbSNP rs759655189, ClinGen allele CA398988132.

ClinVar aggregate classification (germline): Conflicting classifications of pathogenicity. Review status: criteria provided, conflicting classifications (1 of 4 stars). 2 submissions from 2 submitters: Uncertain significance (1); Likely benign (1). Last evaluated 2026-07-09.

Conditions:
Hereditary cancer-predisposing syndrome. Also called: Hereditary Cancer Syndrome; Neoplastic Syndromes, Hereditary; Hereditary neoplastic syndrome; Tumor predisposition. Identifiers: Orphanet 140162, MedGen C0027672, MeSH D009386, MONDO:0015356.
Cardiovascular phenotype. Identifiers: MedGen CN230736.
Neurofibromatosis, type 1 (NF1). Also called: Peripheral type neurofibromatosis; VON RECKLINGHAUSEN DISEASE; NEUROFIBROMATOSIS, TYPE I, SOMATIC; Neurofibromatosis, type I. Identifiers: Orphanet 636, MedGen C0027831, MONDO:0018975, OMIM 162200. Disease mechanism: loss of function.

Submissions (2):

Ambry Genetics
Classification: Likely benign for Cardiovascular phenotype; Hereditary cancer-predisposing syndrome. Last evaluated: 2026-07-09. Review status: criteria provided, single submitter. Criteria: Ambry Variant Classification Scheme 2023. Collection method: clinical testing. Allele origin: germline.

Labcorp Genetics (formerly Invitae), Labcorp
Classification: Uncertain significance for Neurofibromatosis, type 1. Last evaluated: 2021-06-02. Review status: criteria provided, single submitter. Criteria: Invitae Variant Classification Sherloc (09022015). Collection method: clinical testing. Allele origin: germline.
Comment: Advanced modeling of protein sequence and biophysical properties (such as structural, functional, and spatial information, amino acid conservation, physicochemical variation, residue mobility, and thermodynamic stability) performed at Invitae indicates that this missense variant is not expected to disrupt NF1 protein function. In summary, the available evidence is currently insufficient to determine the role of this variant in disease. Therefore, it has been classified as a Variant of Uncertain Significance. This variant has not been reported in the literature in individuals with NF1-related conditions. This sequence change replaces alanine with valine at codon 1056 of the NF1 protein (p.Ala1056Val). The alanine residue is moderately conserved and there is a small physicochemical difference between alanine and valine. This variant is not present in population databases (ExAC no frequency).